The following is an entry in ClinVar:

NM_001080517.3(SETD5):c.1393C>T (p.Gln465Ter)

Gene: SETD5 (SET domain containing 5; plus strand). Cytogenetic location: 3p25.3.
Variant type: single nucleotide variant.
Coding change: c.1393C>T on transcript NM_001080517.3 (MANE Select); coding-DNA position 1393, C replaced by T.
Protein change: p.Gln465Ter; replaces glutamine 465 with a stop codon.
Molecular consequence: nonsense.
Genome position (GRCh38, 1-based): chr3:9,445,253, C>T. VCF-style: chr3-9445253-C-T. GRCh37 (hg19) VCF-style: chr3-9486937-C-T.
Other names: c.1099C>T, p.Gln367Ter (NM_001292043.2, NM_001349451.2); c.1489C>T, p.Gln497Ter (NM_001437633.1); c.1450C>T, p.Gln484Ter (NM_001437635.1); c.1393C>T, p.Gln465Ter (NM_001437643.1); c.1432C>T, p.Gln478Ter (NM_001437701.1); short protein forms Q484*, Q367*, Q497*, Q465*, Q478*.
Identifiers: ClinVar variation 4961110 (VCV004961110.3).

ClinVar aggregate classification (germline): Likely pathogenic. Review status: criteria provided, multiple submitters, no conflicts (2 of 4 stars). 2 submissions from 2 submitters: Likely pathogenic (2). Last evaluated 2020-09-19.

Conditions:
Intellectual disability-facial dysmorphism syndrome due to SETD5 haploinsufficiency (MRD23). Also called: Intellectual developmental disorder, autosomal dominant 23. Identifiers: Orphanet 404440, MedGen C3810406, MONDO:0014336, OMIM 615761.
SETD5-related disorder. Also called: SETD5-related disorders; SETD5-related condition.

Submissions (2):

Blueprint Genetics
Classification: Likely pathogenic for SETD5-related disorders. Last evaluated: 2020-09-19. Review status: criteria provided, single submitter. Criteria: ACMG Guidelines, 2015. Collection method: clinical testing. Allele origin: germline. Affected: yes. Observed: 1 variant allele.

Juno Genomics, Hangzhou Juno Genomics, Inc
Classification: Likely pathogenic for Intellectual disability-facial dysmorphism syndrome due to SETD5 haploinsufficiency. Review status: criteria provided, single submitter. Criteria: ACMG Guidelines, 2015. Collection method: clinical testing. Allele origin: germline.
Comment: Null variant in a gene where loss of function (LOF) is a known mechanism of disease.;Absent from controls (or at extremely low frequency if recessive) in Genome Aggregation Database.